The following is an entry in ClinVar:

NM_020778.5(ALPK3):c.1720A>G (p.Ile574Val)

Gene: ALPK3 (alpha kinase 3; plus strand). Cytogenetic location: 15q25.3.
Variant type: single nucleotide variant.
Coding change: c.1720A>G on transcript NM_020778.5 (MANE Select); coding-DNA position 1720, A replaced by G.
Protein change: p.Ile574Val; replaces isoleucine 574 with valine.
Molecular consequence: missense variant.
Genome position (GRCh38, 1-based): chr15:84,856,458, A>G. VCF-style: chr15-84856458-A-G. GRCh37 (hg19) VCF-style: chr15-85399689-A-G.
Other names: short protein forms I574V.
Identifiers: ClinVar variation 4742593 (VCV004742593.1).

ClinVar aggregate classification (germline): Uncertain significance (1 of 4 stars; one submission).

Submission:

Labcorp Genetics (formerly Invitae), Labcorp
Classification: Uncertain significance. Last evaluated: 2025-02-16. Review status: criteria provided, single submitter. Criteria: Invitae Variant Classification Sherloc (09022015). Collection method: clinical testing. Allele origin: germline.
Comment: This sequence change replaces isoleucine, which is neutral and non-polar, with valine, which is neutral and non-polar, at codon 776 of the ALPK3 protein (p.Ile776Val). This variant is not present in population databases (gnomAD no frequency). This variant has not been reported in the literature in individuals affected with ALPK3-related conditions. Invitae Evidence Modeling of protein sequence and biophysical properties (such as structural, functional, and spatial information, amino acid conservation, physicochemical variation, residue mobility, and thermodynamic stability) indicates that this missense variant is not expected to disrupt ALPK3 protein function with a negative predictive value of 80%. In summary, the available evidence is currently insufficient to determine the role of this variant in disease. Therefore, it has been classified as a Variant of Uncertain Significance.